The following is an entry in ClinVar:

NM_001794.5(CDH4):c.2554G>A (p.Ala852Thr)

Gene: CDH4 (cadherin 4; plus strand). Cytogenetic location: 20q13.33.
Variant type: single nucleotide variant.
Coding change: c.2554G>A on transcript NM_001794.5 (MANE Select); coding-DNA position 2554, G replaced by A.
Protein change: p.Ala852Thr; replaces alanine 852 with threonine.
Molecular consequence: missense variant.
Genome position (GRCh38, 1-based): chr20:61,936,746, G>A. VCF-style: chr20-61936746-G-A. GRCh37 (hg19) VCF-style: chr20-60511804-G-A.
Other names: c.2443G>A, p.Ala815Thr (NM_001252338.2); c.2332G>A, p.Ala778Thr (NM_001252339.3); short protein forms A852T, A778T, A815T.
Identifiers: ClinVar variation 438597 (VCV000438597.1), dbSNP rs373341715, ClinGen allele CA9935203.
Genomic context (GRCh38, chr20:61,936,746, plus strand): 5'-GGGGCTGAGACAACGCGTCCTGCACCCTAACTCTGTGTCTGTGACCCCCAGGGACTCCGC[G>A]CTGCTGACAACGACCCCACGGCACCCCCCTATGACTCCCTGCTGGTCTTCGACTACGAGG-3'
Protein context (NP_001785.2, residues 842-862): IGDFINEGLR[Ala852Thr]ADNDPTAPPY

ClinVar aggregate classification (germline): Uncertain significance (1 of 4 stars; one submission).

Conditions:
Simplified gyral pattern. Also called: Cortical gyral simplification. Identifiers: MedGen C2749675, HP:0009879.

Allele frequency attached by ClinVar (database versions not stated): gnomAD exomes 0.00007; ExAC 0.00008; ESP Exome Variant Server 0.00008; gnomAD 0.00011; TOPMed 0.00011.
gnomAD v4.1: 123 of 1,598,232 alleles (0.0077%); highest among the groups gnomAD compares: Non-Finnish European, 0.009%; no homozygotes.

Submission:

Lupski Lab, Baylor-Hopkins CMG, Baylor College of Medicine
Classification: Uncertain significance for Simplified gyral pattern. Last evaluated: 2017-09-01. Review status: criteria provided, single submitter. Criteria: Wiszniewski et al. (Eur J Hum Genet. 2018). Collection method: research. Allele origin: inherited, unknown. Inheritance: Autosomal recessive inheritance. Affected: yes and no. Observed: 2 variant alleles.